The following is an entry in ClinVar:

NM_000512.5(GALNS):c.[1140-730_1365-1530del;121-2779_567-248del]

Variant type: Haplotype.
Identifiers: ClinVar variation 1048378 (VCV001048378.4).

ClinVar aggregate classification (germline): Pathogenic (1 of 4 stars; one submission).

Conditions:
Mucopolysaccharidosis, MPS-IV-A (MPS4A). Also called: Morquio syndrome A, mild; MORQUIO SYNDROME A; MPS IVA; mucopolysaccharidosis type 4A; GALACTOSAMINE-6-SULFATASE DEFICIENCY; GALNS DEFICIENCY. Identifiers: Orphanet 309297, Orphanet 582, MedGen C0086651, MONDO:0009659, OMIM 253000.

Submission:

Laboratory of Diagnosis and Therapy of Lysosomal Disorders, University of Padova
Classification: Pathogenic for Mucopolysaccharidosis, MPS-IV-A. Last evaluated: 2021-02-01. Review status: criteria provided, single submitter. Criteria: ACMG Guidelines, 2015. Collection method: curation. Allele origin: germline. Affected: yes.
Comment: Multi-exon deletion (PVS1_very strong); in vivo functional studies supportive of a damaging effect on the gene product (low to null enzymatic activity in homozygotes; PS3_supporting); the prevalence of the variant in affected individuals is significantly increased compared with the prevalence in controls (PS4_supporting); located in a mutational hot spot and/or critical and well-established functional domain without benign variation (PM1_moderate); absent from gnomAD v2.1.1 (PM2_moderate)

Literature cited by the submitters: PubMed 7795586; PubMed 8651279; PubMed 34387910.